The following is an entry in ClinVar:

ClinVar aggregate classification (germline): Uncertain significance. Review status: criteria provided, multiple submitters, no conflicts (2 of 4 stars). 2 submissions from 2 submitters: Uncertain significance (2). Last evaluated 2025-10-09.

Conditions:
Shprintzen-Goldberg syndrome (SGS). Also called: CRANIOSYNOSTOSIS WITH ARACHNODACTYLY AND ABDOMINAL HERNIAS; SHPRINTZEN-GOLDBERG CRANIOSYNOSTOSIS SYNDROME; Marfanoid disorder with craniosynostosis type 1; Marfanoid craniosynostosis syndrome; Shprintzen-Goldberg marfanoid syndrome. Identifiers: Orphanet 2462, MedGen C1321551, MONDO:0008426, OMIM 182212.

Allele frequency attached by ClinVar (database versions not stated): TOPMed below 0.00001.

Submissions (2):

Labcorp Genetics (formerly Invitae), Labcorp
Classification: Uncertain significance for Shprintzen-Goldberg syndrome. Last evaluated: 2025-10-09. Review status: criteria provided, single submitter. Criteria: Invitae Variant Classification Sherloc (09022015). Collection method: clinical testing. Allele origin: germline.
Comment: This sequence change replaces arginine, which is basic and polar, with leucine, which is neutral and non-polar, at codon 712 of the SKI protein (p.Arg712Leu). This variant is not present in population databases (gnomAD no frequency). This variant has not been reported in the literature in individuals affected with SKI-related conditions. ClinVar contains an entry for this variant (Variation ID: 1697162). Invitae Evidence Modeling of protein sequence and biophysical properties (such as structural, functional, and spatial information, amino acid conservation, physicochemical variation, residue mobility, and thermodynamic stability) indicates that this missense variant is not expected to disrupt SKI protein function with a negative predictive value of 95%. In summary, the available evidence is currently insufficient to determine the role of this variant in disease. Therefore, it has been classified as a Variant of Uncertain Significance.

GeneDx
Classification: Uncertain significance. Last evaluated: 2022-01-14. Review status: criteria provided, single submitter. Criteria: GeneDx Variant Classification Process June 2021. Collection method: clinical testing. Allele origin: germline. Affected: yes.
Comment: Has not been previously published as pathogenic or benign to our knowledge; Not observed at significant frequency in large population cohorts (gnomAD); In silico analysis supports that this missense variant does not alter protein structure/function

NM_003036.4(SKI):c.2135G>T (p.Arg712Leu)

Gene: SKI (SKI proto-oncogene; plus strand). Cytogenetic location: 1p36.32.
Variant type: single nucleotide variant.
Coding change: c.2135G>T on transcript NM_003036.4 (MANE Select); coding-DNA position 2135, G replaced by T.
Protein change: p.Arg712Leu; replaces arginine 712 with leucine.
Molecular consequence: missense variant.
Genome position (GRCh38, 1-based): chr1:2,306,713, G>T. VCF-style: chr1-2306713-G-T. GRCh37 (hg19) VCF-style: chr1-2238152-G-T.
Other names: short protein forms R712L.
Identifiers: ClinVar variation 1697162 (VCV001697162.3), dbSNP rs1418253983, ClinGen allele CA337959820.